The following is an entry in ClinVar:

NM_014285.7(EXOSC2):c.728C>T (p.Ser243Leu)

Gene: EXOSC2 (exosome component 2; plus strand). Cytogenetic location: 9q34.12.
Variant type: single nucleotide variant.
Coding change: c.728C>T on transcript NM_014285.7 (MANE Select); coding-DNA position 728, C replaced by T.
Protein change: p.Ser243Leu; replaces serine 243 with leucine.
Molecular consequence: missense variant. On other transcripts: non-coding transcript variant (1).
Genome position (GRCh38, 1-based): chr9:130,703,108, C>T. VCF-style: chr9-130703108-C-T. GRCh37 (hg19) VCF-style: chr9-133578495-C-T.
Other names: c.650C>T, p.Ser217Leu (NM_001282708.1); c.638C>T, p.Ser213Leu (NM_001282709.1); c.728C>T (NM_014285.5); short protein forms S213L, S243L, S217L.
Identifiers: ClinVar variation 1515450 (VCV001515450.6), dbSNP rs771988501, ClinGen allele CA5284970.

ClinVar aggregate classification (germline): Uncertain significance. Review status: criteria provided, multiple submitters, no conflicts (2 of 4 stars). 2 submissions from 2 submitters: Uncertain significance (2). Last evaluated 2024-08-12.

Allele frequency attached by ClinVar (database versions not stated): TOPMed below 0.00001; ExAC 0.00002; gnomAD exomes 0.00002.
gnomAD v4.1: 17 of 1,613,960 alleles (0.0011%); highest among the groups gnomAD compares: South Asian, 0.011%; no homozygotes.

Submissions (2):

Ambry Genetics
Classification: Uncertain significance. Last evaluated: 2024-08-12. Review status: criteria provided, single submitter. Criteria: Ambry Variant Classification Scheme 2023. Collection method: clinical testing. Allele origin: germline.

Labcorp Genetics (formerly Invitae), Labcorp
Classification: Uncertain significance. Last evaluated: 2022-07-12. Review status: criteria provided, single submitter. Criteria: Invitae Variant Classification Sherloc (09022015). Collection method: clinical testing. Allele origin: germline.
Comment: This sequence change replaces serine, which is neutral and polar, with leucine, which is neutral and non-polar, at codon 243 of the EXOSC2 protein (p.Ser243Leu). This variant is present in population databases (rs771988501, gnomAD 0.01%). This variant has not been reported in the literature in individuals affected with EXOSC2-related conditions. ClinVar contains an entry for this variant (Variation ID: 1515450). Algorithms developed to predict the effect of missense changes on protein structure and function output the following: SIFT: "Tolerated"; PolyPhen-2: "Benign"; Align-GVGD: "Class C0". The leucine amino acid residue is found in multiple mammalian species, which suggests that this missense change does not adversely affect protein function. In summary, the available evidence is currently insufficient to determine the role of this variant in disease. Therefore, it has been classified as a Variant of Uncertain Significance.